The following is an entry in ClinVar:

NM_032888.4(COL27A1):c.3680_3692del (p.Asp1227fs)

Gene: COL27A1 (collagen type XXVII alpha 1 chain; plus strand). Cytogenetic location: 9q32.
Variant type: Deletion.
Coding change: c.3680_3692del on transcript NM_032888.4 (MANE Select); coding-DNA positions 3680 to 3692, 13 bases deleted (ACGGGCCCCCCGG).
Protein change: p.Asp1227fs; shifts the reading frame from aspartic acid 1227.
Molecular consequence: frameshift variant.
Genome position (GRCh38, 1-based): chr9:114,275,731-114,275,743, ACGGGCCCCCCGG deleted; deleting any 13 consecutive bases within chr9:114,275,729-114,275,743 gives the same sequence; the c. name uses the placement nearest the transcript's 3' end. VCF-style (leftmost placement, unchanged base first): chr9-114275728-AGGACGGGCCCCCC-A. GRCh37 (hg19) VCF-style: chr9-117038008-AGGACGGGCCCCCC-A.
Other names: short protein forms D1227fs.
Identifiers: ClinVar variation 1453215 (VCV001453215.6), dbSNP rs2135666480, ClinGen allele CA2573143831.

ClinVar aggregate classification (germline): Pathogenic (1 of 4 stars; one submission).

Submission:

Labcorp Genetics (formerly Invitae), Labcorp
Classification: Pathogenic. Last evaluated: 2021-10-03. Review status: criteria provided, single submitter. Criteria: Invitae Variant Classification Sherloc (09022015). Collection method: clinical testing. Allele origin: germline.
Comment: This variant has not been reported in the literature in individuals affected with COL27A1-related conditions. For these reasons, this variant has been classified as Pathogenic. This variant is not present in population databases (ExAC no frequency). This sequence change creates a premature translational stop signal (p.Asp1227Alafs*336) in the COL27A1 gene. It is expected to result in an absent or disrupted protein product. Loss-of-function variants in COL27A1 are known to be pathogenic (PMID: 24986830, 28276056).

Literature cited by the submitters: PubMed 24986830; PubMed 28276056.